The following is an entry in ClinVar:

NM_015215.4(CAMTA1):c.1700G>A (p.Ser567Asn)

Gene: CAMTA1 (calmodulin binding transcription activator 1; plus strand). Cytogenetic location: 1p36.23.
Variant type: single nucleotide variant.
Coding change: c.1700G>A on transcript NM_015215.4 (MANE Select); coding-DNA position 1700, G replaced by A.
Protein change: p.Ser567Asn; replaces serine 567 with asparagine.
Molecular consequence: missense variant.
Genome position (GRCh38, 1-based): chr1:7,664,247, G>A. VCF-style: chr1-7664247-G-A. GRCh37 (hg19) VCF-style: chr1-7724307-G-A.
Other names: c.1610G>A, p.Ser537Asn (NM_001349608.2, NM_001349612.2); c.1700G>A, p.Ser567Asn (NM_001349609.2, NM_001349610.2, NM_001410737.1); c.1628G>A, p.Ser543Asn (NM_001410738.1); short protein forms S543N, S537N, S567N.
Identifiers: ClinVar variation 2010949 (VCV002010949.4), dbSNP rs2523726781, ClinGen allele CA338129405.

ClinVar aggregate classification (germline): Uncertain significance (1 of 4 stars; one submission).

Submission:

Labcorp Genetics (formerly Invitae), Labcorp
Classification: Uncertain significance. Last evaluated: 2022-07-09. Review status: criteria provided, single submitter. Criteria: Invitae Variant Classification Sherloc (09022015). Collection method: clinical testing. Allele origin: germline.
Comment: This sequence change replaces serine, which is neutral and polar, with asparagine, which is neutral and polar, at codon 567 of the CAMTA1 protein (p.Ser567Asn). This variant is not present in population databases (gnomAD no frequency). This variant has not been reported in the literature in individuals affected with CAMTA1-related conditions. Algorithms developed to predict the effect of missense changes on protein structure and function are either unavailable or do not agree on the potential impact of this missense change (SIFT: "Deleterious"; PolyPhen-2: "Benign"; Align-GVGD: "Class C0"). In summary, the available evidence is currently insufficient to determine the role of this variant in disease. Therefore, it has been classified as a Variant of Uncertain Significance.